The following is an entry in ClinVar:

ClinVar aggregate classification (germline): Likely benign. Review status: criteria provided, multiple submitters, no conflicts (2 of 4 stars). 6 submissions from 6 submitters: Likely benign (5). 1 of the submissions does not count toward it. Last evaluated 2025-11-13.

Conditions:
SZT2-related disorder. Also called: SZT2-related condition.
Inborn genetic diseases. Identifiers: MedGen C0950123, MeSH D030342.
Developmental and epileptic encephalopathy, 18 (DEE18). Also called: Early infantile epileptic encephalopathy 18. Identifiers: Orphanet 369894, MedGen C3809624, MONDO:0014201, OMIM 615476.

Allele frequency attached by ClinVar (database versions not stated): ExAC 0.00005; gnomAD exomes 0.00006; TOPMed 0.00010; gnomAD 0.00015; 1000 Genomes Project 30x 0.00016; 1000 Genomes Project 0.00020.
gnomAD v4.1: 169 of 1,553,842 alleles (0.011%); highest among the groups gnomAD compares: Middle Eastern, 0.017%; no homozygotes.

Submissions (6):

Labcorp Genetics (formerly Invitae), Labcorp
Classification: Likely benign. Last evaluated: 2025-11-13. Review status: criteria provided, single submitter. Criteria: Invitae Variant Classification Sherloc (09022015). Collection method: clinical testing. Allele origin: germline.

Blueprint Genetics
Classification: Likely benign. Last evaluated: 2024-03-16. Review status: criteria provided, single submitter. Criteria: ACMG Guidelines, 2015. Collection method: clinical testing. Allele origin: germline.

Genome-Nilou Lab
Classification: Likely benign for Developmental and epileptic encephalopathy, 18. Last evaluated: 2023-04-11. Review status: criteria provided, single submitter. Criteria: ACMG Guidelines, 2015. Collection method: clinical testing. Allele origin: germline. Affected: no.

GeneDx
Classification: Likely benign. Last evaluated: 2020-06-08. Review status: criteria provided, single submitter. Criteria: GeneDx Variant Classification Process June 2021. Collection method: clinical testing. Allele origin: germline. Affected: yes.

Ambry Genetics
Classification: Likely benign for Inborn genetic diseases. Last evaluated: 2017-09-06. Review status: criteria provided, single submitter. Criteria: Ambry Variant Classification Scheme 2023. Collection method: clinical testing. Allele origin: germline.

PreventionGenetics, part of Exact Sciences
Classification: Likely benign for SZT2-related condition. Last evaluated: 2020-04-06. Review status: no assertion criteria provided. Collection method: clinical testing. Allele origin: germline. Not counted in ClinVar's aggregate classification.
Comment: This variant is classified as likely benign based on ACMG/AMP sequence variant interpretation guidelines (Richards et al. 2015 PMID: 25741868, with internal and published modifications).

NM_001365999.1(SZT2):c.9795G>C (p.Leu3265=)

Genes: SZT2 (SZT2 subunit of KICSTOR complex; plus strand), SZT2-AS1 (SZT2 antisense RNA 1; minus strand). Cytogenetic location: 1p34.2.
Variant type: single nucleotide variant.
Coding change: c.9795G>C on transcript NM_001365999.1 (MANE Select); coding-DNA position 9795, G replaced by C.
Protein change: p.Leu3265=; no amino-acid change (leucine 3265 retained).
Molecular consequence: synonymous variant. On other transcripts: non-coding transcript variant (1).
Genome position (GRCh38, 1-based): chr1:43,448,310, G>C. VCF-style: chr1-43448310-G-C. GRCh37 (hg19) VCF-style: chr1-43913981-G-C.
Other names: c.9624G>C, p.Leu3208= (NM_015284.4).
Identifiers: ClinVar variation 696026 (VCV000696026.18), dbSNP rs569613488, ClinGen allele CA811014.